The following is an entry in ClinVar:

NM_007294.4(BRCA1):c.1009G>C (p.Glu337Gln)

Gene: BRCA1 (BRCA1 DNA repair associated; minus strand). Cytogenetic location: 17q21.31.
Variant type: single nucleotide variant.
Coding change: c.1009G>C on transcript NM_007294.4 (MANE Select); coding-DNA position 1009, G replaced by C.
Protein change: p.Glu337Gln; replaces glutamic acid 337 with glutamine.
Molecular consequence: missense variant. On other transcripts: intron variant (137).
Genome position (GRCh38, 1-based): chr17:43,094,522, C>G on the plus strand (G>C on the coding strand, the complement: BRCA1 is on the minus strand). VCF-style: chr17-43094522-C-G. GRCh37 (hg19) VCF-style: chr17-41246539-C-G.
Other names: c.865G>C, p.Glu289Gln (NM_001407749.1, NM_001407838.1, NM_001407839.1 and 20 more transcripts); c.868G>C, p.Glu290Gln (NM_001407750.1, NM_001407751.1, NM_001407752.1 and 29 more transcripts); c.1009G>C, p.Glu337Gln (NM_001407858.1, NM_001407859.1, NM_001407854.1 and 30 more transcripts); c.796G>C, p.Glu266Gln (NM_001407853.1, NM_001407571.1, NM_001407894.1 and 9 more transcripts); c.1006G>C, p.Glu336Gln (NM_001407860.1, NM_001407861.1, NM_001407587.1 and 22 more transcripts); c.808G>C, p.Glu270Gln (NM_001407862.1); c.886G>C, p.Glu296Gln (NM_001407863.1, NM_001407648.1, NM_001407664.1 and 19 more transcripts); c.805G>C, p.Glu269Gln (NM_001407874.1, NM_001407875.1); and 40 more; short protein forms E290Q, E337Q, E209Q, E210Q, E266Q, E270Q, E296Q, E336Q.
Identifiers: ClinVar variation 940092 (VCV000940092.16), dbSNP rs2054008789, ClinGen allele CA10600044.

ClinVar aggregate classification (germline): Conflicting classifications of pathogenicity. Review status: criteria provided, conflicting classifications (1 of 4 stars). 4 submissions from 4 submitters: Uncertain significance (3); Likely benign (1). Last evaluated 2024-05-12.

Conditions:
Hereditary breast ovarian cancer syndrome. Also called: Hereditary breast and/or ovarian cancer syndrome; Hereditary breast and ovarian cancer syndrome; Hereditary breast and ovarian cancer; Hereditary breast and ovarian cancer syndrome (HBOC); Breast and ovarian cancer; BRCA1- and BRCA2-Associated Hereditary Breast and Ovarian Cancer. Identifiers: Orphanet 145, MedGen C0677776, MeSH D061325, MONDO:0003582. Disease mechanism: loss of function.
Hereditary cancer-predisposing syndrome. Also called: Hereditary neoplastic syndrome; Neoplastic Syndromes, Hereditary; Tumor predisposition; Hereditary Cancer Syndrome. Identifiers: Orphanet 140162, MedGen C0027672, MeSH D009386, MONDO:0015356.

Submissions (4):

Ambry Genetics
Classification: Uncertain significance for Hereditary cancer-predisposing syndrome. Last evaluated: 2024-05-12. Review status: criteria provided, single submitter. Criteria: Ambry Variant Classification Scheme 2023. Collection method: clinical testing. Allele origin: germline.
Comment: The p.E337Q variant (also known as c.1009G>C), located in coding exon 9 of the BRCA1 gene, results from a G to C substitution at nucleotide position 1009. The glutamic acid at codon 337 is replaced by glutamine, an amino acid with highly similar properties. This amino acid position is conserved. In addition, the in silico prediction for this alteration is inconclusive. Based on the available evidence, the clinical significance of this variant remains unclear.

Color Diagnostics, LLC DBA Color Health
Classification: Uncertain significance for Hereditary cancer-predisposing syndrome. Last evaluated: 2023-12-06. Review status: criteria provided, single submitter. Criteria: ACMG Guidelines, 2015. Collection method: clinical testing. Allele origin: germline.
Comment: This missense variant replaces glutamic acid with glutamine at codon 337 of the BRCA1 protein. Computational prediction suggests that this variant may not impact protein structure and function. To our knowledge, functional studies have not been reported for this variant. This variant has not been reported in individuals affected with BRCA1-related disorders in the literature. This variant has not been identified in the general population by the Genome Aggregation Database (gnomAD). The available evidence is insufficient to determine the role of this variant in disease conclusively. Therefore, this variant is classified as a Variant of Uncertain Significance.

University of Washington Department of Laboratory Medicine, University of Washington
Classification: Likely benign for Hereditary cancer-predisposing syndrome. Last evaluated: 2023-03-23. Review status: criteria provided, single submitter. Criteria: Dines et al. (Genet Med. 2020). Collection method: curation. Allele origin: germline.
Comment: Missense variant in a coldspot region where missense variants are very unlikely to be pathogenic (PMID:31911673).

BRCA1 coldspot (exon 11 using historical exon numbering). Reclassification based on statistical prior probability

Labcorp Genetics (formerly Invitae), Labcorp
Classification: Uncertain significance for Hereditary breast ovarian cancer syndrome. Last evaluated: 2019-05-28. Review status: criteria provided, single submitter. Criteria: Invitae Variant Classification Sherloc (09022015). Collection method: clinical testing. Allele origin: germline.
Comment: In summary, the available evidence is currently insufficient to determine the role of this variant in disease. Therefore, it has been classified as a Variant of Uncertain Significance. Algorithms developed to predict the effect of missense changes on protein structure and function are either unavailable or do not agree on the potential impact of this missense change (SIFT: "Tolerated"; PolyPhen-2: "Possibly Damaging"; Align-GVGD: "Class C0"). This variant has not been reported in the literature in individuals with BRCA1-related conditions. This variant is not present in population databases (ExAC no frequency). This sequence change replaces glutamic acid with glutamine at codon 337 of the BRCA1 protein (p.Glu337Gln). The glutamic acid residue is moderately conserved and there is a small physicochemical difference between glutamic acid and glutamine.